The following is an entry in ClinVar:

ClinVar aggregate classification (germline): Uncertain significance. Review status: reviewed by expert panel (3 of 4 stars). 5 submissions from 5 submitters: Uncertain significance (1). 4 of the submissions do not count toward it. Last evaluated 2024-05-09.

Conditions:
Maturity-onset diabetes of the young (MODY). Also called: Maturity onset diabetes mellitus in young. Identifiers: Orphanet 552, MedGen C0342276, MONDO:0018911, HP:0004904.
Maturity-onset diabetes of the young type 1. Also called: MILD JUVENILE DIABETES MELLITUS; MODY, type I; MODY type 1; Diabetes mellitus MODY type 1; MODY HNF4A related; HNF4A-Related Maturity-Onset Diabetes of the Young Type 1. Identifiers: Orphanet 552, MedGen C1852093, MONDO:0007452, OMIM 125850. Disease mechanism: loss of function.
Monogenic diabetes. Identifiers: Orphanet 183625, MedGen C3888631, MONDO:0015967.

Allele frequency attached by ClinVar (database versions not stated): gnomAD exomes below 0.00001 and 0.00001; TOPMed below 0.00001; ExAC 0.00001.

Submissions (5):

ClinGen Monogenic Diabetes Variant Curation Expert Panel
Classification: Uncertain significance for Monogenic diabetes. Last evaluated: 2024-05-09. Review status: reviewed by expert panel. Criteria: ClinGen Diabetes ACMG Specifications HNF4A V2.0.0. Collection method: curation. Allele origin: germline. Inheritance: Autosomal dominant inheritance.
Comment: The c.422G>A variant in the hepatocyte nuclear factor 4-alpha, HNF4A, causes an amino acid change of arginine to glutamine at codon 141 (p.(Arg141Gln)) of NM_175914.4. This variant has an incomputable gnomAD v2.1.1 Grpmax filtering allele frequency due to zero copies in the European non-Finnish subpopulation and one copy in another subpopulation, thereby meeting the ClinGen MDEP threshold criteria for PM2_Supporting (ENF Grpmax FAF <= 0.000003 and <= 2 copies in ENF and <=1 copy in any other subpopulation) (PM2_Supporting). This variant has a REVEL score of 0.539, which is between the ClinGen MDEP thresholds for BP4 and PP3, predicting neither a damaging nor benign impact on HNF4A function. In summary, this variant meets the criteria to be classified as a variant of uncertain significance for monogenic diabetes. ACMG/AMP criteria applied, as specified by the ClinGen MDEP (specification version 2.0.0, approved 10/11/2023): PM2_Supporting.

Labcorp Genetics (formerly Invitae), Labcorp
Classification: Uncertain significance. Last evaluated: 2023-10-30. Review status: criteria provided, single submitter. Criteria: Invitae Variant Classification Sherloc (09022015). Collection method: clinical testing. Allele origin: germline. Not counted in ClinVar's aggregate classification.
Comment: This sequence change replaces arginine, which is basic and polar, with glutamine, which is neutral and polar, at codon 141 of the HNF4A protein (p.Arg141Gln). This variant is not present in population databases (gnomAD no frequency). This missense change has been observed in individual(s) with clinical features of maturity onset diabetes of the young (PMID: 11232004). This variant is also known as p.Arg163Gln and p.Arg154Gln. ClinVar contains an entry for this variant (Variation ID: 972784). Algorithms developed to predict the effect of missense changes on protein structure and function output the following: SIFT: "Not Available"; PolyPhen-2: "Benign"; Align-GVGD: "Not Available". The glutamine amino acid residue is found in multiple mammalian species, which suggests that this missense change does not adversely affect protein function. This variant disrupts the p.Arg141 amino acid residue in HNF4A. Other variant(s) that disrupt this residue have been observed in individuals with HNF4A-related conditions (PMID: 31968686), which suggests that this may be a clinically significant amino acid residue. In summary, the available evidence is currently insufficient to determine the role of this variant in disease. Therefore, it has been classified as a Variant of Uncertain Significance.

Laboratory for Molecular Medicine, Mass General Brigham Personalized Medicine
Classification: Likely benign. Last evaluated: 2020-11-06. Review status: criteria provided, single submitter. Criteria: ACMG Guidelines, 2015. Collection method: clinical testing. Allele origin: germline. Not counted in ClinVar's aggregate classification.
Comment: The p.Arg156Gln variant in HNF4A is classified as likely benign due to a lack of conservation across species. Over 20 mammals carry a Glutamine (Gln) at this position despite high nearby amino acid conservation. It has been identified in 0.016% (1/6014) of other population by gnomAD. Computational prediction tools and conservation analyses do not provide strong support for or against an impact to the protein. ACMG/AMP Criteria applied: BP4_Strong.

Broad Center for Mendelian Genomics, Broad Institute of MIT and Harvard
Classification: Uncertain significance for Maturity-onset diabetes of the young type 1. Last evaluated: 2020-01-22. Review status: criteria provided, single submitter. Criteria: ACMG Guidelines, 2015. Collection method: curation. Allele origin: germline. Inheritance: Autosomal dominant inheritance. Not counted in ClinVar's aggregate classification.
Comment: The p.Arg163Gln variant in HNF4A has not been previously reported in individuals with MODY and data from large population studies is insufficient to assess the frequency of this variant. Computational prediction tools and conservation analyses do not provide strong support for or against an impact to the protein. In summary, the clinical significance of the p.Arg163Gln variant is uncertain. ACMG/AMP Criteria applied: none (Richards 2015).

Clinical Genomics, Uppaluri K&H Personalized Medicine Clinic
Classification: Uncertain significance for Maturity-onset diabetes of the young. Review status: criteria provided, single submitter. Criteria: K & H Uppaluri Personalized Medicine Clinic Variant Classification & Assertion Criteria_Updated V.1. Collection method: research. Allele origin: unknown. Inheritance: Autosomal dominant inheritance. Not counted in ClinVar's aggregate classification.
Comment: Potent mutations in HNF4A are associated with poor insulin secretion in response to hyperglycemia. Associated with MODY1. Patients initially respond well to sulfonylureas but eventually become insulin dependent. However, more evidence is required to ascertain the role of this particular variant rs765237979 in MODY, yet.

Literature cited by the submitters: PubMed 11232004 (cited by Labcorp Genetics (formerly Invitae), Labcorp); PubMed 31968686 (cited by Labcorp Genetics (formerly Invitae), Labcorp); DOI 10.1159/000334532 (cited by Clinical Genomics, Uppaluri K&H Personalized Medicine Clinic); PubMed 18268044 (cited by Clinical Genomics, Uppaluri K&H Personalized Medicine Clinic); PubMed 17563455 (cited by Clinical Genomics, Uppaluri K&H Personalized Medicine Clinic); PubMed 32583173 (cited by Clinical Genomics, Uppaluri K&H Personalized Medicine Clinic); PubMed 35052457 (cited by Clinical Genomics, Uppaluri K&H Personalized Medicine Clinic); PubMed 35118593 (cited by Clinical Genomics, Uppaluri K&H Personalized Medicine Clinic).

NM_175914.5(HNF4A):c.422G>A (p.Arg141Gln)

Gene: HNF4A (hepatocyte nuclear factor 4 alpha; plus strand). Cytogenetic location: 20q13.12.
Variant type: single nucleotide variant.
Coding change: c.422G>A on transcript NM_175914.5 (MANE Select); coding-DNA position 422, G replaced by A.
Protein change: p.Arg141Gln; replaces arginine 141 with glutamine.
Molecular consequence: missense variant.
Genome position (GRCh38, 1-based): chr20:44,413,796, G>A. VCF-style: chr20-44413796-G-A. GRCh37 (hg19) VCF-style: chr20-43042436-G-A.
Other names: NM_175914.5(HNF4A):c.422G>A; p.Arg141Gln; c.488G>A, p.Arg163Gln (NM_000457.6, NM_178849.3, NM_178850.3); c.422G>A, p.Arg141Gln (NM_001030003.3, NM_001030004.3); c.467G>A, p.Arg156Gln (NM_001258355.2); c.413G>A, p.Arg138Gln (NM_001287182.2, NM_001287183.2, NM_001287184.2); short protein forms R138Q, R163Q, R141Q, R156Q.
Identifiers: ClinVar variation 972784 (VCV000972784.8), dbSNP rs765237979, ClinGen allele CA9870244.